The following is an entry in ClinVar:

NM_033641.4(COL4A6):c.4108A>G (p.Thr1370Ala)

Gene: COL4A6 (collagen type IV alpha 6 chain; minus strand). Cytogenetic location: Xq22.3.
Variant type: single nucleotide variant.
Coding change: c.4108A>G on transcript NM_033641.4 (MANE Select); coding-DNA position 4108, A replaced by G.
Protein change: p.Thr1370Ala; replaces threonine 1370 with alanine.
Molecular consequence: missense variant.
Genome position (GRCh38, 1-based): chrX:108,163,000, T>C on the plus strand (A>G on the coding strand, the complement: COL4A6 is on the minus strand). VCF-style: chrX-108163000-T-C. GRCh37 (hg19) VCF-style: chrX-107406230-T-C.
Other names: c.4159A>G, p.Thr1387Ala (NM_001287758.2); c.4036A>G, p.Thr1346Ala (NM_001287759.2); c.3937A>G, p.Thr1313Ala (NM_001287760.2); c.4111A>G, p.Thr1371Ala (NM_001847.4); short protein forms T1313A, T1346A, T1371A, T1387A, T1370A.
Identifiers: ClinVar variation 4744858 (VCV004744858.1).

ClinVar aggregate classification (germline): Uncertain significance (1 of 4 stars; one submission).

Submission:

Labcorp Genetics (formerly Invitae), Labcorp
Classification: Uncertain significance. Last evaluated: 2026-01-08. Review status: criteria provided, single submitter. Criteria: Invitae Variant Classification Sherloc (09022015). Collection method: clinical testing. Allele origin: germline.
Comment: This sequence change replaces threonine, which is neutral and polar, with alanine, which is neutral and non-polar, at codon 1371 of the COL4A6 protein (p.Thr1371Ala). This variant is not present in population databases (gnomAD no frequency). This variant has not been reported in the literature in individuals affected with COL4A6-related conditions. Invitae Evidence Modeling of protein sequence and biophysical properties (such as structural, functional, and spatial information, amino acid conservation, physicochemical variation, residue mobility, and thermodynamic stability) indicates that this missense variant is expected to disrupt COL4A6 protein function with a positive predictive value of 80%. In summary, the available evidence is currently insufficient to determine the role of this variant in disease. Therefore, it has been classified as a Variant of Uncertain Significance.